The following is an entry in ClinVar:

ClinVar aggregate classification (germline): Conflicting classifications of pathogenicity. Review status: criteria provided, conflicting classifications (1 of 4 stars). 6 submissions from 6 submitters: Uncertain significance (3); Benign (1); Likely benign (1). 1 of the submissions does not count toward it. Last evaluated 2024-08-14.

Conditions:
Cardiovascular phenotype. Identifiers: MedGen CN230736.
Cardiomyopathy (CMYO). Also called: Cardiomyopathies. Identifiers: Orphanet 167848, MedGen C0878544, MONDO:0004994, HP:0001638. Inheritance: Various modes of inheritance.
Becker muscular dystrophy (BMD). Also called: MUSCULAR DYSTROPHY, PSEUDOHYPERTROPHIC PROGRESSIVE, BECKER TYPE; Becker Muscular Dystrophy (BMD). Identifiers: Orphanet 98895, MedGen C0917713, MONDO:0010311, OMIM 300376.
Duchenne muscular dystrophy (DMD). Also called: Duchenne Muscular Dystrophy (DMD); MUSCULAR DYSTROPHY, PSEUDOHYPERTROPHIC PROGRESSIVE, DUCHENNE TYPE. Identifiers: Orphanet 98896, MedGen C0013264, MONDO:0010679, OMIM 310200.
Dystrophin deficiency.

Allele frequency attached by ClinVar (database versions not stated): ExAC 0.00002; TOPMed 0.00002; gnomAD exomes 0.00003.
gnomAD v4.1: 41 of 1,209,514 alleles (0.0034%); highest among the groups gnomAD compares: Admixed American, 0.0044%; no homozygotes.

Submissions (6):

Ambry Genetics
Classification: Likely benign for Cardiovascular phenotype. Last evaluated: 2024-08-14. Review status: criteria provided, single submitter. Criteria: Ambry Variant Classification Scheme 2023. Collection method: clinical testing. Allele origin: germline.

Labcorp Genetics (formerly Invitae), Labcorp
Classification: Benign for Duchenne muscular dystrophy. Last evaluated: 2024-06-17. Review status: criteria provided, single submitter. Criteria: Invitae Variant Classification Sherloc (09022015). Collection method: clinical testing. Allele origin: germline.

Mayo Clinic Laboratories, Mayo Clinic
Classification: Uncertain significance. Last evaluated: 2022-03-28. Review status: criteria provided, single submitter. Criteria: ACMG Guidelines, 2015. Collection method: clinical testing. Allele origin: germline. Observed: 1 variant allele.
Comment: BP4, PM2

Revvity Omics, Revvity
Classification: Uncertain significance. Last evaluated: 2021-06-01. Review status: criteria provided, single submitter. Criteria: ACMG Guidelines, 2015. Collection method: clinical testing. Allele origin: germline.

Eurofins Ntd Llc (ga)
Classification: Uncertain significance. Last evaluated: 2016-08-09. Review status: criteria provided, single submitter. Criteria: EGL Classification Definitions 2015. Collection method: clinical testing. Allele origin: germline. Observed: 1 variant allele, 1 heterozygote.

Natera, Inc.
Classification: Uncertain significance for Becker muscular dystrophy; Cardiomyopathy; Duchenne muscular dystrophy; Dystrophin deficiency. Last evaluated: 2018-05-05. Review status: no assertion criteria provided. Collection method: clinical testing. Allele origin: germline. Not counted in ClinVar's aggregate classification.

NM_004006.3(DMD):c.4049G>A (p.Arg1350His)

Gene: DMD (dystrophin; minus strand). Cytogenetic location: Xp21.1.
Variant type: single nucleotide variant.
Coding change: c.4049G>A on transcript NM_004006.3 (MANE Select); coding-DNA position 4049, G replaced by A.
Protein change: p.Arg1350His; replaces arginine 1350 with histidine.
Molecular consequence: missense variant.
Genome position (GRCh38, 1-based): chrX:32,438,263, C>T on the plus strand (G>A on the coding strand, the complement: DMD is on the minus strand). VCF-style: chrX-32438263-C-T. GRCh37 (hg19) VCF-style: chrX-32456380-C-T.
Other names: p.Arg1350His; c.4025G>A, p.Arg1342His (NM_000109.4); c.4037G>A, p.Arg1346His (NM_004009.3); c.3680G>A, p.Arg1227His (NM_004010.3); c.4049G>A (NM_004006.2); short protein forms R1350H, R1227H, R1342H, R1346H.
Identifiers: ClinVar variation 290184 (VCV000290184.17), dbSNP rs750981128, ClinGen allele CA10379126.